The following is an entry in ClinVar:

NM_002439.5(MSH3):c.995C>A (p.Ala332Asp)

Genes: MSH3 (mutS homolog 3; plus strand), LOC126807437 (MED14-independent group 3 enhancer GRCh37_chr5:79968379-79969578; plus strand). Cytogenetic location: 5q14.1.
Variant type: single nucleotide variant.
Coding change: c.995C>A on transcript NM_002439.5 (MANE Select); coding-DNA position 995, C replaced by A.
Protein change: p.Ala332Asp; replaces alanine 332 with aspartic acid.
Molecular consequence: missense variant.
Genome position (GRCh38, 1-based): chr5:80,672,826, C>A. VCF-style: chr5-80672826-C-A. GRCh37 (hg19) VCF-style: chr5-79968645-C-A.
Other names: c.995C>A (NM_002439.3); short protein forms A332D.
Identifiers: ClinVar variation 1007585 (VCV001007585.11), dbSNP rs763366083, ClinGen allele CA3327761.
Genomic context (GRCh38, chr5:80,672,826, plus strand): 5'-CTGCAGCATTAAAGGCCATTGGAGACAACAGAAGTTCACTCTTTTCCCGGAAATTGACTG[C>A]CCTTTATACAAAATCTACACTTATTGGAGAAGATATCCTTTTTGGACGGGAGTTTTTCTC-3'
Protein context (NP_002430.3, residues 322-342): RSSLFSRKLT[Ala332Asp]LYTKSTLIGE

ClinVar aggregate classification (germline): Uncertain significance. Review status: criteria provided, multiple submitters, no conflicts (2 of 4 stars). 2 submissions from 2 submitters: Uncertain significance (2). Last evaluated 2025-10-06.

Conditions:
Hereditary cancer-predisposing syndrome. Also called: Tumor predisposition; Hereditary neoplastic syndrome; Neoplastic Syndromes, Hereditary; Hereditary Cancer Syndrome. Identifiers: Orphanet 140162, MedGen C0027672, MeSH D009386, MONDO:0015356.

Allele frequency attached by ClinVar (database versions not stated): gnomAD exomes below 0.00001; ExAC 0.00001.
gnomAD v4.1: 2 of 1,613,030 alleles (0.00012%); highest among the groups gnomAD compares: Non-Finnish European, 0.00017%; no homozygotes.

Submissions (2):

Ambry Genetics
Classification: Uncertain significance for Hereditary cancer-predisposing syndrome. Last evaluated: 2025-10-06. Review status: criteria provided, single submitter. Criteria: Ambry Variant Classification Scheme 2023. Collection method: clinical testing. Allele origin: germline.
Comment: The p.A332D variant (also known as c.995C>A), located in coding exon 6 of the MSH3 gene, results from a C to A substitution at nucleotide position 995. The alanine at codon 332 is replaced by aspartic acid, an amino acid with dissimilar properties. This amino acid position is conserved. In addition, the in silico prediction for this alteration is inconclusive. Based on the available evidence, the clinical significance of this variant remains unclear.

Labcorp Genetics (formerly Invitae), Labcorp
Classification: Uncertain significance. Last evaluated: 2025-05-05. Review status: criteria provided, single submitter. Criteria: Invitae Variant Classification Sherloc (09022015). Collection method: clinical testing. Allele origin: germline.
Comment: This sequence change replaces alanine, which is neutral and non-polar, with aspartic acid, which is acidic and polar, at codon 332 of the MSH3 protein (p.Ala332Asp). This variant is present in population databases (rs763366083, gnomAD 0.0009%). This variant has not been reported in the literature in individuals affected with MSH3-related conditions. ClinVar contains an entry for this variant (Variation ID: 1007585). An algorithm developed to predict the effect of missense changes on protein structure and function (PolyPhen-2) suggests that this variant is likely to be disruptive. In summary, the available evidence is currently insufficient to determine the role of this variant in disease. Therefore, it has been classified as a Variant of Uncertain Significance.